The following is an entry in ClinVar:

ClinVar aggregate classification (germline): Uncertain significance (1 of 4 stars; one submission).

Conditions:
Leber congenital amaurosis 8 (LCA8). Identifiers: Orphanet 65, MedGen C3151202, MONDO:0013453, OMIM 613835.
Retinitis pigmentosa 12 (RP12). Also called: RP WITH OR WITHOUT PPRPE; RP WITH OR WITHOUT PRESERVED PARAARTERIOLE RETINAL PIGMENT EPITHELIUM; RETINITIS PIGMENTOSA WITH OR WITHOUT PARAARTERIOLAR PRESERVATION OF RETINAL PIGMENT EPITHELIUM. Identifiers: Orphanet 791, MedGen C1838647, MONDO:0010818, OMIM 600105.

Allele frequency attached by ClinVar (database versions not stated): gnomAD exomes below 0.00001 and 0.00001; ExAC 0.00001.
gnomAD v4.1: 8 of 1,614,080 alleles (0.0005%); highest among the groups gnomAD compares: South Asian, 0.0066%; no homozygotes.

Submission:

Labcorp Genetics (formerly Invitae), Labcorp
Classification: Uncertain significance for Leber congenital amaurosis 8; Retinitis pigmentosa 12. Last evaluated: 2022-07-12. Review status: criteria provided, single submitter. Criteria: Invitae Variant Classification Sherloc (09022015). Collection method: clinical testing. Allele origin: germline.
Comment: In summary, the available evidence is currently insufficient to determine the role of this variant in disease. Therefore, it has been classified as a Variant of Uncertain Significance. Algorithms developed to predict the effect of sequence changes on RNA splicing suggest that this variant is not likely to affect RNA splicing. ClinVar contains an entry for this variant (Variation ID: 1402861). This variant has not been reported in the literature in individuals affected with CRB1-related conditions. This variant is present in population databases (rs754038973, gnomAD 0.006%). This sequence change affects codon 329 of the CRB1 mRNA. It is a 'silent' change, meaning that it does not change the encoded amino acid sequence of the CRB1 protein. It affects a nucleotide within the consensus splice site.

NM_201253.3(CRB1):c.987T>C (p.Pro329=)

Gene: CRB1 (crumbs cell polarity complex component 1; plus strand). Cytogenetic location: 1q31.3.
Variant type: single nucleotide variant.
Coding change: c.987T>C on transcript NM_201253.3 (MANE Select); coding-DNA position 987, T replaced by C.
Protein change: p.Pro329=; no amino-acid change (proline 329 retained).
Molecular consequence: synonymous variant. On other transcripts: non-coding transcript variant (2), intron variant (1).
Genome position (GRCh38, 1-based): chr1:197,347,478, T>C. VCF-style: chr1-197347478-T-C. GRCh37 (hg19) VCF-style: chr1-197316608-T-C.
Other names: c.780T>C, p.Pro260= (NM_001257965.2); c.987T>C, p.Pro329= (NM_001257966.2); c.653-9353T>C (NM_001193640.2).
Identifiers: ClinVar variation 1402861 (VCV001402861.6), dbSNP rs754038973, ClinGen allele CA1311768.